The following is an entry in ClinVar:

ClinVar aggregate classification (germline): Uncertain significance. Review status: criteria provided, multiple submitters, no conflicts (2 of 4 stars). 3 submissions from 3 submitters: Uncertain significance (3). Last evaluated 2024-04-02.

Conditions:
Cardiovascular phenotype. Identifiers: MedGen CN230736.

gnomAD v4.1: 1 of 1,550,196 alleles (0.000065%); highest among the groups gnomAD compares: Non-Finnish European, 0.000087%; no homozygotes.

Submissions (3):

Labcorp Genetics (formerly Invitae), Labcorp
Classification: Uncertain significance. Last evaluated: 2024-04-02. Review status: criteria provided, single submitter. Criteria: Invitae Variant Classification Sherloc (09022015). Collection method: clinical testing. Allele origin: germline.
Comment: This sequence change replaces arginine, which is basic and polar, with serine, which is neutral and polar, at codon 1549 of the ZNF469 protein (p.Arg1549Ser). This variant is not present in population databases (gnomAD no frequency). This variant has not been reported in the literature in individuals affected with ZNF469-related conditions. ClinVar contains an entry for this variant (Variation ID: 916225). An algorithm developed to predict the effect of missense changes on protein structure and function (PolyPhen-2) suggests that this variant is likely to be tolerated. In summary, the available evidence is currently insufficient to determine the role of this variant in disease. Therefore, it has been classified as a Variant of Uncertain Significance.

Ambry Genetics
Classification: Uncertain significance for Cardiovascular phenotype. Last evaluated: 2021-11-09. Review status: criteria provided, single submitter. Criteria: Ambry Variant Classification Scheme 2023. Collection method: clinical testing. Allele origin: germline.
Comment: The p.R1549S variant (also known as c.4647G>C), located in coding exon 2 of the ZNF469 gene, results from a G to C substitution at nucleotide position 4647. The arginine at codon 1549 is replaced by serine, an amino acid with dissimilar properties. This amino acid position is conserved. In addition, this alteration is predicted to be tolerated by in silico analysis. Since supporting evidence is limited at this time, the clinical significance of this alteration remains unclear.

CeGaT Center for Human Genetics Tuebingen
Classification: Uncertain significance. Last evaluated: 2020-02-01. Review status: criteria provided, single submitter. Criteria: CeGaT Center For Human Genetics Tuebingen Variant Classification Criteria Version 2. Collection method: clinical testing. Allele origin: germline. Affected: yes. Observed: 1 variant allele.

NM_001367624.2(ZNF469):c.4731G>C (p.Arg1577Ser)

Gene: ZNF469 (zinc finger protein 469; plus strand). Cytogenetic location: 16q24.2.
Variant type: single nucleotide variant.
Coding change: c.4731G>C on transcript NM_001367624.2 (MANE Select); coding-DNA position 4731, G replaced by C.
Protein change: p.Arg1577Ser; replaces arginine 1577 with serine.
Molecular consequence: missense variant.
Genome position (GRCh38, 1-based): chr16:88,432,201, G>C. VCF-style: chr16-88432201-G-C. GRCh37 (hg19) VCF-style: chr16-88498609-G-C.
Other names: NM_001127464.1:c.4647G>C; short protein forms R1577S.
Identifiers: ClinVar variation 916225 (VCV000916225.44), dbSNP rs1906243073, ClinGen allele CA397093204.
Genomic context (GRCh38, chr16:88,432,201, plus strand): 5'-GTCCGAGGATGAACTGGAGATCCAGAAATTGGTCACCGAATTAGAAAGTCAGCTGCAAAG[G>C]AGCAAAGACACACGTGGGGCCCCGAGAGAGCTTGCAGAAGCTGAGTCGGTGGGCAGGGTG-3'
Protein context (NP_001354553.1, residues 1567-1587): LVTELESQLQ[Arg1577Ser]SKDTRGAPRE